The following is an entry in ClinVar:

NM_182972.3(IRF2BP2):c.1094G>T (p.Gly365Val)

Gene: IRF2BP2 (interferon regulatory factor 2 binding protein 2; minus strand). Cytogenetic location: 1q42.3.
Variant type: single nucleotide variant.
Coding change: c.1094G>T on transcript NM_182972.3 (MANE Select); coding-DNA position 1094, G replaced by T.
Protein change: p.Gly365Val; replaces glycine 365 with valine.
Molecular consequence: missense variant.
Genome position (GRCh38, 1-based): chr1:234,607,807, C>A on the plus strand (G>T on the coding strand, the complement: IRF2BP2 is on the minus strand). VCF-style: chr1-234607807-C-A. GRCh37 (hg19) VCF-style: chr1-234743553-C-A.
Other names: c.1046G>T, p.Gly349Val (NM_001077397.1); short protein forms G365V, G349V.
Identifiers: ClinVar variation 4712680 (VCV004712680.1).

ClinVar aggregate classification (germline): Uncertain significance (1 of 4 stars; one submission).

Submission:

Labcorp Genetics (formerly Invitae), Labcorp
Classification: Uncertain significance. Last evaluated: 2025-02-09. Review status: criteria provided, single submitter. Criteria: Invitae Variant Classification Sherloc (09022015). Collection method: clinical testing. Allele origin: germline.
Comment: This sequence change replaces glycine, which is neutral and non-polar, with valine, which is neutral and non-polar, at codon 365 of the IRF2BP2 protein (p.Gly365Val). This variant is not present in population databases (gnomAD no frequency). This variant has not been reported in the literature in individuals affected with IRF2BP2-related conditions. An algorithm developed to predict the effect of missense changes on protein structure and function (PolyPhen-2) suggests that this variant is likely to be disruptive. In summary, the available evidence is currently insufficient to determine the role of this variant in disease. Therefore, it has been classified as a Variant of Uncertain Significance.